The following is an entry in ClinVar:

ClinVar aggregate classification (germline): Likely benign (0 of 4 stars; one submission).

Conditions:
PI4KA-related disorder. Also called: PI4KA-related disorders; PI4KA-related condition. Identifiers: MedGen CN378147, MONDO:1040012.

Allele frequency attached by ClinVar (database versions not stated): ExAC 0.00012; gnomAD 0.00038; TOPMed 0.00038; ESP Exome Variant Server 0.00046.
gnomAD v4.1: 95 of 1,613,742 alleles (0.0059%); highest among the groups gnomAD compares: African/African-American, 0.11%; no homozygotes.

Submission:

PreventionGenetics, part of Exact Sciences
Classification: Likely benign for PI4KA-related condition. Last evaluated: 2021-02-23. Review status: no assertion criteria provided. Collection method: clinical testing. Allele origin: germline.
Comment: This variant is classified as likely benign based on ACMG/AMP sequence variant interpretation guidelines (Richards et al. 2015 PMID: 25741868, with internal and published modifications).

NM_058004.4(PI4KA):c.3372G>A (p.Gln1124=)

Gene: PI4KA (phosphatidylinositol 4-kinase alpha; minus strand). Cytogenetic location: 22q11.21.
Variant type: single nucleotide variant.
Coding change: c.3372G>A on transcript NM_058004.4 (MANE Select); coding-DNA position 3372, G replaced by A.
Protein change: p.Gln1124=; no amino-acid change (glutamine 1124 retained).
Molecular consequence: synonymous variant. On other transcripts: intron variant (1).
Genome position (GRCh38, 1-based): chr22:20,744,712, C>T on the plus strand (G>A on the coding strand, the complement: PI4KA is on the minus strand). VCF-style: chr22-20744712-C-T. GRCh37 (hg19) VCF-style: chr22-21099000-C-T.
Other names: c.3306G>A, p.Gln1102= (NM_001362863.2); c.3364-1948G>A (NM_001362862.2).
Identifiers: ClinVar variation 3054687 (VCV003054687.2), dbSNP rs139138328, ClinGen allele CA10115392.
Genomic context (GRCh38, chr22:20,744,712, plus strand): 5'-ATTCAGGGATGCCATGAAGTTGGAGTAGTCTTTCTTCACACAGGCCGGGCGCTCGCTCAG[C>T]TGAGTTGCCTACAGACAGATAACCATTATTGTAGACTATGGCAGCACTATCCTTTCCTCG-3'
Protein context (NP_477352.3, residues 1114-1134): NKQNTTLGAT[Gln1124=]LSERPACVKK